The following is an entry in ClinVar:

ClinVar aggregate classification (germline): Likely pathogenic (1 of 4 stars; one submission).

Conditions:
THOC6-related disorder. Also called: THOC6-related condition.

Allele frequency attached by ClinVar (database versions not stated): gnomAD 0.00001; gnomAD exomes 0.00001; TOPMed 0.00001.

Submission:

PreventionGenetics, part of Exact Sciences
Classification: Likely pathogenic for THOC6-related condition. Last evaluated: 2025-08-28. Review status: criteria provided, single submitter. Criteria: ACMG Guidelines, 2015. Collection method: clinical testing. Allele origin: germline.
Comment: The THOC6 c.510C>A variant is predicted to result in premature protein termination (p.Tyr170*). To our knowledge, this variant has not been reported in the literature or in gnomAD, indicating this variant is rare. Nonsense variants in THOC6 are expected to be pathogenic. This variant is interpreted as likely pathogenic.

NM_024339.5(THOC6):c.510C>A (p.Tyr170Ter)

Gene: THOC6 (THO complex subunit 6; plus strand). Cytogenetic location: 16p13.3.
Variant type: single nucleotide variant.
Coding change: c.510C>A on transcript NM_024339.5 (MANE Select); coding-DNA position 510, C replaced by A.
Protein change: p.Tyr170Ter; replaces tyrosine 170 with a stop codon.
Molecular consequence: nonsense.
Genome position (GRCh38, 1-based): chr16:3,026,705, C>A. VCF-style: chr16-3026705-C-A. GRCh37 (hg19) VCF-style: chr16-3076706-C-A.
Other names: c.510C>A, p.Tyr170Ter (NM_001142350.3, NM_001347704.2); c.438C>A, p.Tyr146Ter (NM_001347703.2); short protein forms Y146*, Y170*.
Identifiers: ClinVar variation 2629835 (VCV002629835.2), dbSNP rs895532843, ClinGen allele CA276881474.
Genomic context (GRCh38, chr16:3,026,705, plus strand): 5'-AGGTCTCCTCCTGACATCGCCCCTCTACATGCAGAGGGTCCTCCGGGGCCACACAGACTA[C>A]ATCCACTGCCTGGCACTGCGGGAAAGGAGCCCAGAGGTGCTGTCAGGTGGCGAGGATGGA-3'